The following is an entry in ClinVar:

ClinVar aggregate classification (germline): Conflicting classifications of pathogenicity. Review status: criteria provided, conflicting classifications (1 of 4 stars). 3 submissions from 3 submitters: Uncertain significance (1); Likely benign (2). Last evaluated 2025-11-19.

Conditions:
Multicentric osteolysis nodulosis arthropathy spectrum. Identifiers: Orphanet 3460, Orphanet 371428, MedGen C1850155, MONDO:0018298.

Allele frequency attached by ClinVar (database versions not stated): gnomAD exomes 0.00036 and 0.00077; ExAC 0.00037; gnomAD 0.00048 and 0.00055; TOPMed 0.00052; ESP Exome Variant Server 0.00108.
gnomAD v4.1: 1,170 of 1,613,392 alleles (0.073%); highest among the groups gnomAD compares: Non-Finnish European, 0.097%; no homozygotes.

Submissions (3):

Labcorp Genetics (formerly Invitae), Labcorp
Classification: Likely benign. Last evaluated: 2025-11-19. Review status: criteria provided, single submitter. Criteria: Invitae Variant Classification Sherloc (09022015). Collection method: clinical testing. Allele origin: germline.

CeGaT Center for Human Genetics Tuebingen
Classification: Likely benign. Last evaluated: 2022-07-01. Review status: criteria provided, single submitter. Criteria: CeGaT Center For Human Genetics Tuebingen Variant Classification Criteria Version 2. Collection method: clinical testing. Allele origin: germline. Affected: yes. Observed: 2 variant alleles.
Comment: MMP2: BP4, BP7

Illumina Laboratory Services, Illumina
Classification: Uncertain significance for Multicentric osteolysis, nodulosis, and arthropathy. Last evaluated: 2017-04-27. Review status: criteria provided, single submitter. Criteria: ICSL Variant Classification Criteria 13 December 2019. Collection method: clinical testing. Allele origin: germline.

NM_004530.6(MMP2):c.96G>T (p.Ser32=)

Gene: MMP2 (matrix metallopeptidase 2; plus strand). Cytogenetic location: 16q12.2.
Variant type: single nucleotide variant.
Coding change: c.96G>T on transcript NM_004530.6 (MANE Select); coding-DNA position 96, G replaced by T.
Protein change: p.Ser32=; no amino-acid change (serine 32 retained).
Molecular consequence: synonymous variant. On other transcripts: intron variant (1).
Genome position (GRCh38, 1-based): chr16:55,479,575, G>T. VCF-style: chr16-55479575-G-T. GRCh37 (hg19) VCF-style: chr16-55513487-G-T.
Other names: c.-76+610G>T (NM_001302508.1).
Identifiers: ClinVar variation 729361 (VCV000729361.37), dbSNP rs146220690, ClinGen allele CA8059973.